The following is an entry in ClinVar:

ClinVar aggregate classification (germline): Pathogenic. Review status: criteria provided, multiple submitters, no conflicts (2 of 4 stars). 2 submissions from 2 submitters: Pathogenic (2). Last evaluated 2024-06-07.

Conditions:
Mucopolysaccharidosis, MPS-II (MPS2). Also called: Mucopolysaccharidosis with skin involvement; Mucopolysaccharidosis Type II; IDS deficiency; Sulfoiduronate sulfatase deficiency; SIDS deficiency; Mucopolysaccharidosis type 2. Identifiers: Orphanet 580, Orphanet 79388, MedGen C0026705, MONDO:0010674, OMIM 309900.

Submissions (2):

Laboratory of Diagnosis and Therapy of Lysosomal Disorders, University of Padova
Classification: Pathogenic for Mucopolysaccharidosis, MPS-II. Last evaluated: 2024-06-07. Review status: criteria provided, single submitter. Criteria: ACMG Guidelines, 2015. Collection method: literature only. Allele origin: germline. Affected: yes. Observed: 36 variant alleles.
Comment: Prevalence of the variant significantly increased in affected individuals compared with controls (PS4_Strong), Absent from controls (or at low frequency) in gnomAD database (PM2_Moderate), Cosegregation with disease in multiple affected family members (PP1_Moderate), Missense variant in a gene with a low rate of benign missense variation (PP2_Supporting), Multiple lines of computational evidence support a deleterious effect (PP3_Supporting), Patient’s phenotype or family history highly specific for the disease (PP4_Moderate)

Classification method: ACMG Guidelines [PMID:25741868] with modifications

Labcorp Genetics (formerly Invitae), Labcorp
Classification: Pathogenic for Mucopolysaccharidosis, MPS-II. Last evaluated: 2022-03-14. Review status: criteria provided, single submitter. Criteria: Invitae Variant Classification Sherloc (09022015). Collection method: clinical testing. Allele origin: germline.
Comment: For these reasons, this variant has been classified as Pathogenic. Advanced modeling of protein sequence and biophysical properties (such as structural, functional, and spatial information, amino acid conservation, physicochemical variation, residue mobility, and thermodynamic stability) performed at Invitae indicates that this missense variant is expected to disrupt IDS protein function. This missense change has been observed in individual(s) with attenuated mucopolysaccharidosis II (PMID: 22153556, 25038527). It has also been observed to segregate with disease in related individuals. This variant is not present in population databases (gnomAD no frequency). This sequence change replaces alanine, which is neutral and non-polar, with aspartic acid, which is acidic and polar, at codon 77 of the IDS protein (p.Ala77Asp).

Literature cited by the submitters: PubMed 24125893 (cited by Laboratory of Diagnosis and Therapy of Lysosomal Disorders, University of Padova); PubMed 22153556 (cited by Laboratory of Diagnosis and Therapy of Lysosomal Disorders, University of Padova and Labcorp Genetics (formerly Invitae), Labcorp); PubMed 33960103 (cited by Laboratory of Diagnosis and Therapy of Lysosomal Disorders, University of Padova); PubMed 23430907 (cited by Laboratory of Diagnosis and Therapy of Lysosomal Disorders, University of Padova); PubMed 35882106 (cited by Laboratory of Diagnosis and Therapy of Lysosomal Disorders, University of Padova); PubMed 25038527 (cited by Laboratory of Diagnosis and Therapy of Lysosomal Disorders, University of Padova and Labcorp Genetics (formerly Invitae), Labcorp).

NM_000202.8(IDS):c.230C>A (p.Ala77Asp)

Gene: IDS (iduronate 2-sulfatase; minus strand). Cytogenetic location: Xq28.
Variant type: single nucleotide variant.
Coding change: c.230C>A on transcript NM_000202.8 (MANE Select); coding-DNA position 230, C replaced by A.
Protein change: p.Ala77Asp; replaces alanine 77 with aspartic acid.
Molecular consequence: missense variant. On other transcripts: non-coding transcript variant (1).
Genome position (GRCh38, 1-based): chrX:149,504,167, G>T on the plus strand (C>A on the coding strand, the complement: IDS is on the minus strand). VCF-style: chrX-149504167-G-T. GRCh37 (hg19) VCF-style: chrX-148585697-G-T.
Other names: c.4C>A, p.Pro2Thr (NM_001166550.4); c.230C>A, p.Ala77Asp (NM_006123.5); short protein forms A77D, P2T.
Identifiers: ClinVar variation 2138752 (VCV002138752.6), dbSNP rs2520900702, ClinGen allele CA414527184.
Genomic context (GRCh38, chrX:149,504,167, plus strand): 5'-CTCAGTGCACGAAGCAGCACACACCCACAGCTAGAGGTTCCCAGACATACCTGCGCAAAG[G>T]CATTCTGGAAGAGGAGGCTGTGGGATGCCAGTTGGTCAATATTTGGGGACCTCACCAGCT-3'
Protein context (NP_000193.1, residues 67-87): LASHSLLFQN[Ala77Asp]FAQQAVCAPS